The following is an entry in ClinVar:

NM_018100.4(EFHC1):c.1286C>T (p.Pro429Leu)

Gene: EFHC1 (EF-hand domain containing 1; plus strand). Cytogenetic location: 6p12.2.
Variant type: single nucleotide variant.
Coding change: c.1286C>T on transcript NM_018100.4 (MANE Select); coding-DNA position 1286, C replaced by T.
Protein change: p.Pro429Leu; replaces proline 429 with leucine.
Molecular consequence: missense variant. On other transcripts: non-coding transcript variant (1).
Genome position (GRCh38, 1-based): chr6:52,479,044, C>T. VCF-style: chr6-52479044-C-T. GRCh37 (hg19) VCF-style: chr6-52343842-C-T.
Other names: c.1229C>T, p.Pro410Leu (NM_001172420.2); short protein forms P429L, P410L.
Identifiers: ClinVar variation 848884 (VCV000848884.1), dbSNP rs1765607722, ClinGen allele CA364456854.
Genomic context (GRCh38, chr6:52,479,044, plus strand): 5'-CATCTGCATAGACCATGAACCTTCATAATATCCTCTTTTCTTCACCTTTGTAGGAATCCC[C>T]CATCCCAGAAGACAAAGACCGCAGATTTGTCTTCTCTTACTTTCTAGCTACCGACATGAT-3'
Protein context (NP_060570.2, residues 419-439): VLRYLAVLES[Pro429Leu]IPEDKDRRFV

ClinVar aggregate classification (germline): Uncertain significance (1 of 4 stars; one submission).

Conditions:
Juvenile myoclonic epilepsy (EJM). Also called: PETIT MAL, IMPULSIVE; JANZ SYNDROME. Identifiers: Orphanet 307, MedGen C0270853, MONDO:0009696.
Typical absence seizure. Identifiers: MedGen C5551411, HP:0011147.

Allele frequency attached by ClinVar (database versions not stated): gnomAD exomes below 0.00001.
gnomAD v4.1: 1 of 1,613,608 alleles (0.000062%); highest among the groups gnomAD compares: Non-Finnish European, 0.000085%; no homozygotes.

Submission:

Labcorp Genetics (formerly Invitae), Labcorp
Classification: Uncertain significance for EJM1; Typical absence seizures. Last evaluated: 2019-05-01. Review status: criteria provided, single submitter. Criteria: Invitae Variant Classification Sherloc (09022015). Collection method: clinical testing. Allele origin: germline.
Comment: This sequence change replaces proline with leucine at codon 429 of the EFHC1 protein (p.Pro429Leu). The proline residue is highly conserved and there is a moderate physicochemical difference between proline and leucine. This variant is not present in population databases (ExAC no frequency). This variant has not been reported in the literature in individuals with EFHC1-related conditions. Algorithms developed to predict the effect of missense changes on protein structure and function are either unavailable or do not agree on the potential impact of this missense change (SIFT: "Deleterious"; PolyPhen-2: "Benign"; Align-GVGD: "Class C0"). In summary, the available evidence is currently insufficient to determine the role of this variant in disease. Therefore, it has been classified as a Variant of Uncertain Significance.